The following is an entry in ClinVar:

ClinVar aggregate classification (germline): Uncertain significance (1 of 4 stars; one submission).

Submission:

GeneDx
Classification: Uncertain significance. Last evaluated: 2025-03-11. Review status: criteria provided, single submitter. Criteria: GeneDx Variant Classification Process June 2021. Collection method: clinical testing. Allele origin: germline. Affected: yes.
Comment: Not observed at significant frequency in large population cohorts (gnomAD); In silico analysis supports that this missense variant has a deleterious effect on protein structure/function; Has not been previously published as pathogenic or benign to our knowledge

NM_015057.5(MYCBP2):c.11055C>G (p.Phe3685Leu)

Genes: MYCBP2 (MYC binding protein 2; minus strand), MYCBP2-AS1 (MYCBP2 antisense RNA 1; plus strand). Cytogenetic location: 13q22.3.
Variant type: single nucleotide variant.
Coding change: c.11055C>G on transcript NM_015057.5 (MANE Select); coding-DNA position 11055, C replaced by G.
Protein change: p.Phe3685Leu; replaces phenylalanine 3685 with leucine.
Molecular consequence: missense variant.
Genome position (GRCh38, 1-based): chr13:77,081,975, G>C on the plus strand (C>G on the coding strand, the complement: MYCBP2 is on the minus strand). VCF-style: chr13-77081975-G-C. GRCh37 (hg19) VCF-style: chr13-77656110-G-C.
Other names: short protein forms F3685L.
Identifiers: ClinVar variation 4083092 (VCV004083092.1).